The following is an entry in ClinVar:

NM_001029896.2(WDR45):c.827+3G>C

Gene: WDR45 (WD repeat domain 45; minus strand). Cytogenetic location: Xp11.23.
Variant type: single nucleotide variant.
Coding change: c.827+3G>C on transcript NM_001029896.2 (MANE Select); 3 bases into the intron after coding-DNA position 827, G replaced by C.
Molecular consequence: intron variant.
Genome position (GRCh38, 1-based): chrX:49,075,361, C>G on the plus strand (G>C on the coding strand, the complement: WDR45 is on the minus strand). VCF-style: chrX-49075361-C-G. GRCh37 (hg19) VCF-style: chrX-48933020-C-G.
Other names: c.830+3G>C (NM_007075.4).
Identifiers: ClinVar variation 1878790 (VCV001878790.1), dbSNP rs2520260751, ClinGen allele CA2580101076.

ClinVar aggregate classification (germline): Likely pathogenic (1 of 4 stars; one submission).

Submission:

GeneDx
Classification: Likely pathogenic. Last evaluated: 2022-07-10. Review status: criteria provided, single submitter. Criteria: GeneDx Variant Classification Process June 2021. Collection method: clinical testing. Allele origin: germline. Affected: yes.
Comment: Not observed at significant frequency in large population cohorts (gnomAD); Has not been previously published as pathogenic or benign to our knowledge; In-silico analysis is inconclusive as to whether the variant alters gene splicing. In the absence of RNA/functional studies, the actual effect of this sequence change is unknown.